The following is an entry in ClinVar:

NM_003954.5(MAP3K14):c.2293G>A (p.Val765Ile)

Genes: MAP3K14 (mitogen-activated protein kinase kinase kinase 14; minus strand), MAP3K14-AS1 (MAP3K14 antisense RNA 1; plus strand), LOC126862575 (CDK7 strongly-dependent group 2 enhancer GRCh37_chr17:43344006-43345205; plus strand). Cytogenetic location: 17q21.31.
Variant type: single nucleotide variant.
Coding change: c.2293G>A on transcript NM_003954.5 (MANE Select); coding-DNA position 2293, G replaced by A.
Protein change: p.Val765Ile; replaces valine 765 with isoleucine.
Molecular consequence: missense variant.
Genome position (GRCh38, 1-based): chr17:45,267,439, C>T on the plus strand (G>A on the coding strand, the complement: MAP3K14 is on the minus strand). VCF-style: chr17-45267439-C-T. GRCh37 (hg19) VCF-style: chr17-43344806-C-T.
Other names: short protein forms V765I.
Identifiers: ClinVar variation 1055934 (VCV001055934.7), dbSNP rs777448729, ClinGen allele CA8613918.

ClinVar aggregate classification (germline): Conflicting classifications of pathogenicity. Review status: criteria provided, conflicting classifications (1 of 4 stars). 2 submissions from 2 submitters: Uncertain significance (1); Likely benign (1). Last evaluated 2023-07-10.

Conditions:
NIK deficiency. Also called: Primary immunodeficiency with multifaceted aberrant lymphoid immunity. Identifiers: Orphanet 447731, MedGen C5680065, MONDO:0018642.

Allele frequency attached by ClinVar (database versions not stated): gnomAD 0.00003; gnomAD exomes 0.00003; TOPMed 0.00003; ExAC 0.00004.
gnomAD v4.1: 48 of 1,605,582 alleles (0.003%); highest among the groups gnomAD compares: South Asian, 0.012%; no homozygotes.

Submissions (2):

Blueprint Genetics
Classification: Likely benign. Last evaluated: 2023-07-10. Review status: criteria provided, single submitter. Criteria: ACMG Guidelines, 2015. Collection method: clinical testing. Allele origin: germline.

Labcorp Genetics (formerly Invitae), Labcorp
Classification: Uncertain significance for NIK deficiency. Last evaluated: 2022-03-19. Review status: criteria provided, single submitter. Criteria: Invitae Variant Classification Sherloc (09022015). Collection method: clinical testing. Allele origin: germline.
Comment: This sequence change replaces valine, which is neutral and non-polar, with isoleucine, which is neutral and non-polar, at codon 765 of the MAP3K14 protein (p.Val765Ile). This variant is present in population databases (rs777448729, gnomAD 0.007%). This variant has not been reported in the literature in individuals affected with MAP3K14-related conditions. ClinVar contains an entry for this variant (Variation ID: 1055934). Experimental studies and prediction algorithms are not available or were not evaluated, and the functional significance of this variant is currently unknown. In summary, the available evidence is currently insufficient to determine the role of this variant in disease. Therefore, it has been classified as a Variant of Uncertain Significance.